The following is an entry in ClinVar:

NM_000046.5(ARSB):c.1340G>T (p.Cys447Phe)

Gene: ARSB (arylsulfatase B; minus strand). Cytogenetic location: 5q14.1.
Variant type: single nucleotide variant.
Coding change: c.1340G>T on transcript NM_000046.5 (MANE Select); coding-DNA position 1340, G replaced by T.
Protein change: p.Cys447Phe; replaces cysteine 447 with phenylalanine.
Molecular consequence: missense variant.
Genome position (GRCh38, 1-based): chr5:78,780,659, C>A on the plus strand (G>T on the coding strand, the complement: ARSB is on the minus strand). VCF-style: chr5-78780659-C-A. GRCh37 (hg19) VCF-style: chr5-78076482-C-A.
Other names: short protein forms C447F.
Identifiers: ClinVar variation 559706 (VCV000559706.15), dbSNP rs1465993279, ClinGen allele CA360339323.

ClinVar aggregate classification (germline): Conflicting classifications of pathogenicity. Review status: criteria provided, conflicting classifications (1 of 4 stars). 4 submissions from 4 submitters: Pathogenic (1); Likely pathogenic (2); Uncertain significance (1). Last evaluated 2025-09-25.

Conditions:
Mucopolysaccharidosis type 6 (MPS6). Also called: N-ACETYLGALACTOSAMINE-4-SULFATASE DEFICIENCY; MPS VI; MPS 6; Maroteaux Lamy syndrome; ARSB DEFICIENCY; ARYLSULFATASE B DEFICIENCY. Identifiers: Orphanet 583, MedGen C0026709, MONDO:0009661, OMIM 253200.

Allele frequency attached by ClinVar (database versions not stated): gnomAD exomes below 0.00001.
gnomAD v4.1: 1 of 1,614,074 alleles (0.000062%); highest among the groups gnomAD compares: Admixed American, 0.0017%; no homozygotes.

Submissions (4):

Natera, Inc.
Classification: Likely pathogenic for Mucopolysaccharidosis type VI. Last evaluated: 2025-09-25. Review status: criteria provided, single submitter. Criteria: Natera Variant Classification Schema (03/2026). Collection method: clinical testing. Allele origin: germline.
Comment: The c.1340G>T variant in ARSB is a missense variant predicted to cause substitution of cysteine to phenylalanine at amino acid 447. This variant is rare in the general population with a frequency below the threshold expected for the associated phenotype(s). This variant has been observed in one or more individuals affected with the associated recessive disease, as either homozygous or compound heterozygous with a second variant (PMID: 17643332, 17458871, 26909334). Functional studies show that this variant may disrupt protein function (PMID: 18406185). Given the available evidence, this variant is classified as Likely Pathogenic.

Revvity Omics, Revvity
Classification: Likely pathogenic for Mucopolysaccharidosis type 6. Last evaluated: 2024-06-11. Review status: criteria provided, single submitter. Criteria: ACMG Guidelines, 2015. Collection method: clinical testing. Allele origin: germline.

Labcorp Genetics (formerly Invitae), Labcorp
Classification: Pathogenic for Mucopolysaccharidosis type 6. Last evaluated: 2024-02-23. Review status: criteria provided, single submitter. Criteria: Invitae Variant Classification Sherloc (09022015). Collection method: clinical testing. Allele origin: germline.
Comment: This sequence change replaces cysteine, which is neutral and slightly polar, with phenylalanine, which is neutral and non-polar, at codon 447 of the ARSB protein (p.Cys447Phe). The frequency data for this variant in the population databases is considered unreliable, as metrics indicate poor data quality at this position in the gnomAD database. This missense change has been observed in individual(s) with mucopolysaccharidosis type VI (PMID: 17458871, 17643332, 26909334). In at least one individual the data is consistent with being in trans (on the opposite chromosome) from a pathogenic variant. ClinVar contains an entry for this variant (Variation ID: 559706). Advanced modeling of protein sequence and biophysical properties (such as structural, functional, and spatial information, amino acid conservation, physicochemical variation, residue mobility, and thermodynamic stability) has been performed at Invitae for this missense variant, however the output from this modeling did not meet the statistical confidence thresholds required to predict the impact of this variant on ARSB protein function. Experimental studies have shown that this missense change affects ARSB function (PMID: 17458871). This variant disrupts the p.Cys447 amino acid residue in ARSB. Other variant(s) that disrupt this residue have been observed in individuals with ARSB-related conditions (PMID: 17458871), which suggests that this may be a clinically significant amino acid residue. For these reasons, this variant has been classified as Pathogenic.

Laboratory of Diagnosis and Therapy of Lysosomal Disorders, University of Padova
Classification: Uncertain significance for Mucopolysaccharidosis type 6. Last evaluated: 2018-01-01. Review status: criteria provided, single submitter. Criteria: ACMG Guidelines, 2015. Collection method: curation. Allele origin: germline. Affected: yes.
Comment: Absent from GnomAD (PM2)

Literature cited by the submitters: PubMed 17643332 (cited by 3 submitters); PubMed 17458871 (cited by 3 submitters); PubMed 26909334 (cited by 3 submitters); PubMed 18406185 (cited by Natera, Inc.); PubMed 30118150 (cited by Laboratory of Diagnosis and Therapy of Lysosomal Disorders, University of Padova).